The following is an entry in ClinVar:

ClinVar aggregate classification (germline): Benign/Likely benign. Review status: criteria provided, multiple submitters, no conflicts (2 of 4 stars). 6 submissions from 6 submitters: Benign (3); Likely benign (2). 1 of the submissions does not count toward it. Last evaluated 2026-06-01.

Conditions:
Rubinstein-Taybi syndrome (RSTS). Identifiers: Orphanet 783, MedGen C0035934, MONDO:0019188.
CREBBP-related disorder. Also called: CREBBP-related disorders; CREBBP-related condition.
Inborn genetic diseases. Identifiers: MedGen C0950123, MeSH D030342.

Allele frequency attached by ClinVar (database versions not stated): gnomAD 0.00005 and 0.00014; TOPMed 0.00009; ESP Exome Variant Server 0.00015; gnomAD exomes 0.00022 and 0.00041; ExAC 0.00053; 1000 Genomes Project 0.00060; 1000 Genomes Project 30x 0.00078.
gnomAD v4.1: 356 of 1,614,180 alleles (0.022%); highest among the groups gnomAD compares: South Asian, 0.28%; 3 homozygotes.

Submissions (6):

CeGaT Center for Human Genetics Tuebingen
Classification: Likely benign. Last evaluated: 2026-06-01. Review status: criteria provided, single submitter. Criteria: CeGaT Center For Human Genetics Tuebingen Variant Classification Criteria Version 2. Collection method: clinical testing. Allele origin: germline. Affected: yes. Observed: 11 variant alleles.
Comment: CREBBP: BP4, BP7, BS1

Labcorp Genetics (formerly Invitae), Labcorp
Classification: Benign for Rubinstein-Taybi syndrome. Last evaluated: 2025-09-16. Review status: criteria provided, single submitter. Criteria: Invitae Variant Classification Sherloc (09022015). Collection method: clinical testing. Allele origin: germline.

Blueprint Genetics
Classification: Likely benign. Last evaluated: 2024-11-18. Review status: criteria provided, single submitter. Criteria: ACMG Guidelines, 2015. Collection method: clinical testing. Allele origin: germline.

GeneDx
Classification: Benign. Last evaluated: 2020-10-19. Review status: criteria provided, single submitter. Criteria: GeneDx Variant Classification Process June 2021. Collection method: clinical testing. Allele origin: germline. Affected: yes.

Ambry Genetics
Classification: Benign for Inborn genetic diseases. Last evaluated: 2019-09-18. Review status: criteria provided, single submitter. Criteria: Ambry Variant Classification Scheme 2023. Collection method: clinical testing. Allele origin: germline.

PreventionGenetics, part of Exact Sciences
Classification: Likely benign for CREBBP-related condition. Last evaluated: 2021-07-02. Review status: no assertion criteria provided. Collection method: clinical testing. Allele origin: germline. Not counted in ClinVar's aggregate classification.
Comment: This variant is classified as likely benign based on ACMG/AMP sequence variant interpretation guidelines (Richards et al. 2015 PMID: 25741868, with internal and published modifications).

NM_004380.3(CREBBP):c.177T>A (p.Leu59=)

Gene: CREBBP (CREB binding lysine acetyltransferase; minus strand). Cytogenetic location: 16p13.3.
Variant type: single nucleotide variant.
Coding change: c.177T>A on transcript NM_004380.3 (MANE Select); coding-DNA position 177, T replaced by A.
Protein change: p.Leu59=; no amino-acid change (leucine 59 retained).
Molecular consequence: synonymous variant.
Genome position (GRCh38, 1-based): chr16:3,850,918, A>T on the plus strand (T>A on the coding strand, the complement: CREBBP is on the minus strand). VCF-style: chr16-3850918-A-T. GRCh37 (hg19) VCF-style: chr16-3900919-A-T.
Other names: c.177T>A, p.Leu59= (NM_001079846.1).
Identifiers: ClinVar variation 772437 (VCV000772437.37), dbSNP rs201027381, ClinGen allele CA7870727.